The following is an entry in ClinVar:

ClinVar aggregate classification (germline): Likely benign (1 of 4 stars; one submission).

Allele frequency attached by ClinVar (database versions not stated): 1000 Genomes Project 30x 0.00687; 1000 Genomes Project 0.00719; TOPMed 0.01112; gnomAD 0.01182 and 0.01190.
gnomAD v4.1: 1,800 of 152,314 alleles (1.2%); highest among the groups gnomAD compares: Non-Finnish European, 1.9%; 18 homozygotes.

Submission:

GeneDx
Classification: Likely benign. Last evaluated: 2018-06-19. Review status: criteria provided, single submitter. Criteria: GeneDx Variant Classification (06012015). Collection method: clinical testing. Allele origin: germline. Affected: yes.
Comment: This variant is considered likely benign or benign based on one or more of the following criteria: it is a conservative change, it occurs at a poorly conserved position in the protein, it is predicted to be benign by multiple in silico algorithms, and/or has population frequency not consistent with disease.

NM_173630.4(RTTN):c.4654-175A>T

Gene: RTTN (rotatin; minus strand). Cytogenetic location: 18q22.2.
Variant type: single nucleotide variant.
Coding change: c.4654-175A>T on transcript NM_173630.4 (MANE Select); 175 bases into the intron before coding-DNA position 4654, A replaced by T.
Molecular consequence: intron variant.
Genome position (GRCh38, 1-based): chr18:70,066,097, T>A on the plus strand (A>T on the coding strand, the complement: RTTN is on the minus strand). VCF-style: chr18-70066097-T-A. GRCh37 (hg19) VCF-style: chr18-67733333-T-A.
Other names: c.1918-175A>T (NM_001318520.2).
Identifiers: ClinVar variation 678966 (VCV000678966.1), dbSNP rs74989897, ClinGen allele CA301951504.